The following is an entry in ClinVar:

NM_006939.4(SOS2):c.3089C>G (p.Thr1030Ser)

Gene: SOS2 (SOS Ras/Rho guanine nucleotide exchange factor 2; minus strand). Cytogenetic location: 14q21.3.
Variant type: single nucleotide variant.
Coding change: c.3089C>G on transcript NM_006939.4 (MANE Select); coding-DNA position 3089, C replaced by G.
Protein change: p.Thr1030Ser; replaces threonine 1030 with serine.
Molecular consequence: missense variant.
Genome position (GRCh38, 1-based): chr14:50,130,749, G>C on the plus strand (C>G on the coding strand, the complement: SOS2 is on the minus strand). VCF-style: chr14-50130749-G-C. GRCh37 (hg19) VCF-style: chr14-50597467-G-C.
Other names: c.2990C>G, p.Thr997Ser (NM_001411020.1); short protein forms T1030S, T997S.
Identifiers: ClinVar variation 2501188 (VCV002501188.6), dbSNP rs887361070, ClinGen allele CA260714190.

ClinVar aggregate classification (germline): Uncertain significance. Review status: criteria provided, multiple submitters, no conflicts (2 of 4 stars). 3 submissions from 3 submitters: Uncertain significance (3). Last evaluated 2025-05-18.

Conditions:
Cardiovascular phenotype. Identifiers: MedGen CN230736.
Noonan syndrome 9 (NS9). Identifiers: Orphanet 648, MedGen C4225282, MONDO:0014691, OMIM 616559.

Allele frequency attached by ClinVar (database versions not stated): TOPMed 0.00002; gnomAD exomes 0.00001; gnomAD 0.00001.
gnomAD v4.1: 21 of 1,602,664 alleles (0.0013%); highest among the groups gnomAD compares: Non-Finnish European, 0.0016%; no homozygotes.

Submissions (3):

Ambry Genetics
Classification: Uncertain significance for Cardiovascular phenotype. Last evaluated: 2025-05-18. Review status: criteria provided, single submitter. Criteria: Ambry Variant Classification Scheme 2023. Collection method: clinical testing. Allele origin: germline.
Comment: The p.T1030S variant (also known as c.3089C>G), located in coding exon 20 of the SOS2 gene, results from a C to G substitution at nucleotide position 3089. The threonine at codon 1030 is replaced by serine, an amino acid with similar properties. This amino acid position is conserved. In addition, this alteration is predicted to be tolerated by in silico analysis. Based on the available evidence, the clinical significance of this variant remains unclear.

Labcorp Genetics (formerly Invitae), Labcorp
Classification: Uncertain significance for Noonan syndrome 9. Last evaluated: 2025-02-12. Review status: criteria provided, single submitter. Criteria: Invitae Variant Classification Sherloc (09022015). Collection method: clinical testing. Allele origin: germline.
Comment: This sequence change replaces threonine, which is neutral and polar, with serine, which is neutral and polar, at codon 1030 of the SOS2 protein (p.Thr1030Ser). This variant is present in population databases (no rsID available, gnomAD 0.002%). This variant has not been reported in the literature in individuals affected with SOS2-related conditions. ClinVar contains an entry for this variant (Variation ID: 2501188). Invitae Evidence Modeling of protein sequence and biophysical properties (such as structural, functional, and spatial information, amino acid conservation, physicochemical variation, residue mobility, and thermodynamic stability) indicates that this missense variant is not expected to disrupt SOS2 protein function with a negative predictive value of 95%. In summary, the available evidence is currently insufficient to determine the role of this variant in disease. Therefore, it has been classified as a Variant of Uncertain Significance.

Women's Health and Genetics/Laboratory Corporation of America, LabCorp
Classification: Uncertain significance. Last evaluated: 2023-03-06. Review status: criteria provided, single submitter. Criteria: LabCorp Variant Classification Summary - May 2015. Collection method: clinical testing. Allele origin: germline.